The following is an entry in ClinVar:

ClinVar aggregate classification (germline): Benign/Likely benign. Review status: criteria provided, multiple submitters, no conflicts (2 of 4 stars). 7 submissions from 7 submitters: Benign (3); Likely benign (4). Last evaluated 2025-12-24.

Conditions:
WNK4-related disorder. Also called: WNK4-related condition.
Pseudohypoaldosteronism type 2B (PHA2B). Also called: Pseudohypoaldosteronism Type IIB. Identifiers: Orphanet 757, Orphanet 88939, MedGen C1840390, MONDO:0013777, OMIM 614491.

Allele frequency attached by ClinVar (database versions not stated): 1000 Genomes Project 0.00180; 1000 Genomes Project 30x 0.00219; gnomAD 0.00281; TOPMed 0.00304; ESP Exome Variant Server 0.00415.
gnomAD v4.1: 7,452 of 1,614,044 alleles (0.46%); highest among the groups gnomAD compares: Non-Finnish European, 0.58%; 22 homozygotes.

Submissions (7):

Labcorp Genetics (formerly Invitae), Labcorp
Classification: Benign. Last evaluated: 2025-12-24. Review status: criteria provided, single submitter. Criteria: Invitae Variant Classification Sherloc (09022015). Collection method: clinical testing. Allele origin: germline.

Mayo Clinic Laboratories, Mayo Clinic
Classification: Likely benign. Last evaluated: 2025-06-27. Review status: criteria provided, single submitter. Criteria: ACMG Guidelines, 2015. Collection method: clinical testing. Allele origin: germline. Observed: 1 variant allele.
Comment: BS1, BP4_moderate

Blueprint Genetics
Classification: Likely benign. Last evaluated: 2024-11-22. Review status: criteria provided, single submitter. Criteria: ACMG Guidelines, 2015. Collection method: clinical testing. Allele origin: germline.

PreventionGenetics, part of Exact Sciences
Classification: Likely benign for WNK4-related condition. Last evaluated: 2024-11-09. Review status: criteria provided, single submitter. Criteria: ACMG Guidelines, 2015. Collection method: clinical testing. Allele origin: germline.
Comment: This variant is classified as likely benign based on ACMG/AMP sequence variant interpretation guidelines (Richards et al. 2015 PMID: 25741868, with internal and published modifications).

Women's Health and Genetics/Laboratory Corporation of America, LabCorp
Classification: Likely benign. Last evaluated: 2024-09-16. Review status: criteria provided, single submitter. Criteria: LabCorp Variant Classification Summary - May 2015. Collection method: clinical testing. Allele origin: germline.

Illumina Laboratory Services, Illumina
Classification: Benign for Pseudohypoaldosteronism type 2B. Last evaluated: 2018-01-12. Review status: criteria provided, single submitter. Criteria: ICSL Variant Classification Criteria 13 December 2019. Collection method: clinical testing. Allele origin: germline.
Comment: This variant was observed in the ICSL laboratory as part of a predisposition screen in an ostensibly healthy population. It had not been previously curated by ICSL or reported in the Human Gene Mutation Database (HGMD: prior to June 1st, 2018), and was therefore a candidate for classification through an automated scoring system. Utilizing variant allele frequency, disease prevalence and penetrance estimates, and inheritance mode, an automated score was calculated to assess if this variant is too frequent to cause the disease. Based on the score and internal cut-off values, a variant classified as benign is not then subjected to further curation. The score for this variant resulted in a classification of benign for this disease.

Breakthrough Genomics
Classification: Benign. Review status: criteria provided, single submitter. Criteria: ACMG Guidelines, 2015. Collection method: not provided. Allele origin: germline. Inheritance: Autosomal dominant inheritance. Affected: yes.

NM_032387.5(WNK4):c.2369C>A (p.Thr790Asn)

Gene: WNK4 (WNK lysine deficient protein kinase 4; plus strand). Cytogenetic location: 17q21.2.
Variant type: single nucleotide variant.
Coding change: c.2369C>A on transcript NM_032387.5 (MANE Select); coding-DNA position 2369, C replaced by A.
Protein change: p.Thr790Asn; replaces threonine 790 with asparagine.
Molecular consequence: missense variant.
Genome position (GRCh38, 1-based): chr17:42,794,790, C>A. VCF-style: chr17-42794790-C-A. GRCh37 (hg19) VCF-style: chr17-40946808-C-A.
Other names: p.Thr790Asn; c.1361C>A, p.Thr454Asn (NM_001321299.2); short protein forms T790N, T454N.
Identifiers: ClinVar variation 323339 (VCV000323339.18), dbSNP rs56227191, ClinGen allele CA8584374.